The following is an entry in ClinVar:

ClinVar aggregate classification (germline): Uncertain significance (1 of 4 stars; one submission).

Conditions:
Hereditary cancer-predisposing syndrome. Also called: Neoplastic Syndromes, Hereditary; Hereditary Cancer Syndrome; Hereditary neoplastic syndrome; Tumor predisposition. Identifiers: Orphanet 140162, MedGen C0027672, MeSH D009386, MONDO:0015356.

Submission:

Ambry Genetics
Classification: Uncertain significance for Hereditary cancer-predisposing syndrome. Last evaluated: 2023-05-16. Review status: criteria provided, single submitter. Criteria: Ambry Variant Classification Scheme 2023. Collection method: clinical testing. Allele origin: germline.
Comment: The p.S1035R variant (also known as c.3105T>G), located in coding exon 22 of the MSH3 gene, results from a T to G substitution at nucleotide position 3105. The serine at codon 1035 is replaced by arginine, an amino acid with dissimilar properties. This amino acid position is poorly conserved in available vertebrate species. In addition, this alteration is predicted to be tolerated by in silico analysis. Since supporting evidence is limited at this time, the clinical significance of this alteration remains unclear.

NM_002439.5(MSH3):c.3105T>G (p.Ser1035Arg)

Gene: MSH3 (mutS homolog 3; plus strand). Cytogenetic location: 5q14.1.
Variant type: single nucleotide variant.
Coding change: c.3105T>G on transcript NM_002439.5 (MANE Select); coding-DNA position 3105, T replaced by G.
Protein change: p.Ser1035Arg; replaces serine 1035 with arginine.
Molecular consequence: missense variant.
Genome position (GRCh38, 1-based): chr5:80,864,917, T>G. VCF-style: chr5-80864917-T-G. GRCh37 (hg19) VCF-style: chr5-80160736-T-G.
Other names: short protein forms S1035R.
Identifiers: ClinVar variation 2565659 (VCV002565659.2), dbSNP rs1580098696, ClinGen allele CA360346414.